The following is an entry in ClinVar:

ClinVar aggregate classification (germline): Uncertain significance (1 of 4 stars; one submission).

Conditions:
3-Methylglutaconic aciduria type 2 (BTHS). Also called: Barth syndrome; CARDIOSKELETAL MYOPATHY WITH NEUTROPENIA AND ABNORMAL MITOCHONDRIA. Identifiers: Orphanet 111, MedGen C0574083, MONDO:0010543, OMIM 302060.

Allele frequency attached by ClinVar (database versions not stated): gnomAD exomes below 0.00001.
gnomAD v4.1: 1 of 1,207,178 alleles (0.000083%); highest among the groups gnomAD compares: Admixed American, 0.0022%; no homozygotes.

Submission:

Labcorp Genetics (formerly Invitae), Labcorp
Classification: Uncertain significance for 3-Methylglutaconic aciduria type 2. Last evaluated: 2024-11-04. Review status: criteria provided, single submitter. Criteria: Invitae Variant Classification Sherloc (09022015). Collection method: clinical testing. Allele origin: germline.
Comment: This sequence change creates a premature translational stop signal (p.Gln129*) in the TAZ gene. Alternative splicing of the TAZ gene results in a functional isoform lacking exon 5 (delta5) in multiple human tissues (PMID: 19619503, 24342716, 12930833, 19700766). Therefore, the functional significance of variants in exon 5 is currently unknown. This variant is present in population databases (no rsID available, gnomAD 0.004%). This variant has not been reported in the literature in individuals affected with TAZ-related conditions. ClinVar contains an entry for this variant (Variation ID: 2129113). Algorithms developed to predict the effect of sequence changes on RNA splicing suggest that this variant may disrupt the consensus splice site. In summary, the available evidence is currently insufficient to determine the role of this variant in disease. Therefore, it has been classified as a Variant of Uncertain Significance.

Literature cited by the submitters: PubMed 19619503; PubMed 24342716; PubMed 12930833; PubMed 19700766.

NM_000116.5(TAFAZZIN):c.385C>T (p.Gln129Ter)

Gene: TAFAZZIN (tafazzin, phospholipid-lysophospholipid transacylase; plus strand). Cytogenetic location: Xq28.
Variant type: single nucleotide variant.
Coding change: c.385C>T on transcript NM_000116.5 (MANE Select); coding-DNA position 385, C replaced by T.
Protein change: p.Gln129Ter; replaces glutamine 129 with a stop codon.
Molecular consequence: nonsense. On other transcripts: intron variant (2).
Genome position (GRCh38, 1-based): chrX:154,414,115, C>T. VCF-style: chrX-154414115-C-T. GRCh37 (hg19) VCF-style: chrX-153642452-C-T.
Other names: c.439C>T, p.Gln147Ter (NM_001303465.2); c.385C>T, p.Gln129Ter (NM_181312.4); c.370+548C>T (NM_181311.4, NM_181313.4); short protein forms Q147*, Q129*.
Identifiers: ClinVar variation 2129113 (VCV002129113.4), dbSNP rs1557192014, ClinGen allele CA415182379.